The following is an entry in ClinVar:

ClinVar aggregate classification (germline): Uncertain significance (1 of 4 stars; one submission).

Submission:

Mayo Clinic Laboratories, Mayo Clinic
Classification: Uncertain significance. Last evaluated: 2025-03-14. Review status: criteria provided, single submitter. Criteria: ACMG Guidelines, 2015. Collection method: clinical testing. Allele origin: germline. Observed: 1 variant allele.
Comment: PP3, PM2_supporting

NM_001098816.3(TENM4):c.5027A>G (p.His1676Arg)

Gene: TENM4 (teneurin transmembrane protein 4; minus strand). Cytogenetic location: 11q14.1.
Variant type: single nucleotide variant.
Coding change: c.5027A>G on transcript NM_001098816.3 (MANE Select); coding-DNA position 5027, A replaced by G.
Protein change: p.His1676Arg; replaces histidine 1676 with arginine.
Molecular consequence: missense variant.
Genome position (GRCh38, 1-based): chr11:78,701,586, T>C on the plus strand (A>G on the coding strand, the complement: TENM4 is on the minus strand). VCF-style: chr11-78701586-T-C. GRCh37 (hg19) VCF-style: chr11-78412631-T-C.
Other names: p.His1676Arg; short protein forms H1676R.
Identifiers: ClinVar variation 4541655 (VCV004541655.1).
Genomic context (GRCh38, chr11:78,701,586, plus strand): 5'-TCATAAAATGTTGTCCATCCGTTTTCATTGCTTTTGGTTGCCAGAAGGCCGGAATTGCCA[T>C]GGTATGTCATCATGGCCAACTCGTGTCCTTGTGTGGTCACACTCTTGAGTGCACTGTTGG-3'
Protein context (NP_001092286.2, residues 1666-1686): QGHELAMMTY[His1676Arg]GNSGLLATKS